The following is an entry in ClinVar:

NM_000203.5(IDUA):c.540G>A (p.Trp180Ter)

Gene: IDUA (alpha-L-iduronidase; plus strand). Cytogenetic location: 4p16.3.
Variant type: single nucleotide variant.
Coding change: c.540G>A on transcript NM_000203.5 (MANE Select); coding-DNA position 540, G replaced by A.
Protein change: p.Trp180Ter; replaces tryptophan 180 with a stop codon.
Molecular consequence: nonsense. On other transcripts: non-coding transcript variant (1).
Genome position (GRCh38, 1-based): chr4:1,001,514, G>A. VCF-style: chr4-1001514-G-A. GRCh37 (hg19) VCF-style: chr4-995302-G-A.
Other names: NM_000203.5(IDUA):c.540G>A; p.Trp180Ter; c.144G>A, p.Trp48Ter (NM_001363576.1); short protein forms W180*, W48*.
Identifiers: ClinVar variation 1321357 (VCV001321357.5), dbSNP rs2153021904, ClinGen allele CA355961724.

ClinVar aggregate classification (germline): Pathogenic. Review status: reviewed by expert panel (3 of 4 stars). 3 submissions from 3 submitters: Pathogenic (1). 2 of the submissions do not count toward it. Last evaluated 2025-05-02.

Conditions:
Mucopolysaccharidosis type 1. Also called: IDUA deficiency; MPS I. Identifiers: Orphanet 579, MedGen C0023786, MONDO:0001586.

gnomAD v4.1: 2 of 1,613,242 alleles (0.00012%); highest among the groups gnomAD compares: Non-Finnish European, 0.00017%; no homozygotes.

Submissions (3):

ClinGen Lysosomal Storage Disorder Variant Curation Expert Panel
Classification: Pathogenic for Mucopolysaccharidosis type 1. Last evaluated: 2025-05-02. Review status: reviewed by expert panel. Criteria: ClinGen LSD ACMG Specifications IDUA V1.0.0. Collection method: curation. Allele origin: germline. Inheritance: Autosomal recessive inheritance.
Comment: The NM_000203.5:c.540G>A (p.Trp180Ter) variant in IDUA is a nonsense variant predicted to cause a premature stop codon in biologically relevant exon 5 out of 14, leading to nonsense-mediated decay in a gene in which loss-of-function is an established disease mechanism (PVS1). At least 2 patients with MPS I have been reported with this variant. One was compound heterozygous for the variant and a variant that has been classified as pathogenic by the ClinGen Lysosomal Diseases VCEP, but phase was not defined (PMID: 22976768) (0.5 points), and one individual was homozygous for the variant (PMID: 27146977) (0.5 points). (PM3). One of these individuals had documented IDUA deficiency within the affected range in leukocytes and clinical features specific to MPS I, including dysostosis multiplex, hepatomegaly, arthropathy, and corneal involvement ( PMID: 27146977) (PP4). The highest population minor allele frequency in gnomAD v4.1.0 is 0.000001695 (2/1179968 alleles) in the European (non-Finnish) population, which is lower than the ClinGen Lysosomal Diseases VCEP’s threshold for PM2_Supporting (<0.00025), meeting this criterion (PM2_Supporting). There is a ClinVar entry for this variant (Variation ID: 1321357). In summary, this variant meets the criteria to be classified as pathogenic for MPS I based on the ACMG/AMP criteria applied, as specified by the ClinGen Lysosomal Diseases Variant Curation Expert Panel (Specifications Version 1.0.0): PVS1, PM3, PP4, PM2_supporting. (Classification approved by the ClinGen Lysosomal Diseases Variant Curation Expert Panel on May 2, 2025).

Revvity Omics, Revvity
Classification: Pathogenic. Last evaluated: 2022-04-15. Review status: criteria provided, single submitter. Criteria: ACMG Guidelines, 2015. Collection method: clinical testing. Allele origin: germline. Not counted in ClinVar's aggregate classification.

Women's Health and Genetics/Laboratory Corporation of America, LabCorp
Classification: Pathogenic for Mucopolysaccharidosis type 1. Last evaluated: 2021-10-10. Review status: criteria provided, single submitter. Criteria: LabCorp Variant Classification Summary - May 2015. Collection method: clinical testing. Allele origin: germline. Not counted in ClinVar's aggregate classification.
Comment: Variant summary: IDUA c.540G>A (p.Trp180X) results in a premature termination codon, predicted to cause a truncation of the encoded protein or absence of the protein due to nonsense mediated decay, which are commonly known mechanisms for disease. Truncations downstream of this position have been classified as pathogenic by our laboratory. The variant was absent in 250892 control chromosomes. c.540G>A has been reported in the literature in individuals affected with Mucopolysaccharidosis Type 1 (example, Pollard_2012, Uttarilli_2019, Clarke_2019). These data indicate that the variant is likely to be associated with disease. At least one publication reports experimental evidence evaluating an impact on protein function. The most pronounced variant effect results in <10% of normal leukocyte IDUA enzyme activity. (example, Uttarilli_2016) No clinical diagnostic laboratories have submitted clinical-significance assessments for this variant to ClinVar after 2014. Based on the evidence outlined above, the variant was classified as pathogenic.

Literature cited by the submitters: PubMed 22976768 (cited by Women's Health and Genetics/Laboratory Corporation of America, LabCorp); PubMed 31194252 (cited by Women's Health and Genetics/Laboratory Corporation of America, LabCorp); PubMed 27146977 (cited by Women's Health and Genetics/Laboratory Corporation of America, LabCorp).